The following is an entry in ClinVar:

NM_001077350.3(NPRL3):c.1247C>T (p.Pro416Leu)

Genes: HBA-LCR (alpha-globin locus control region; plus strand), NPRL3 (NPR3 like, GATOR1 complex subunit; minus strand). Cytogenetic location: 16p13.3.
Variant type: single nucleotide variant.
Coding change: c.1247C>T on transcript NM_001077350.3 (MANE Select); coding-DNA position 1247, C replaced by T.
Protein change: p.Pro416Leu; replaces proline 416 with leucine.
Molecular consequence: missense variant.
Genome position (GRCh38, 1-based): chr16:89,817, G>A on the plus strand (C>T on the coding strand, the complement: NPRL3 is on the minus strand). VCF-style: chr16-89817-G-A. GRCh37 (hg19) VCF-style: chr16-139815-G-A.
Other names: c.1247C>T (NM_001077350.2); c.710C>T, p.Pro237Leu (NM_001039476.3); c.1013C>T, p.Pro338Leu (NM_001243247.2); c.1172C>T, p.Pro391Leu (NM_001243248.2, NM_001243249.2); short protein forms P391L, P416L, P338L, P237L.
Identifiers: ClinVar variation 446068 (VCV000446068.9), dbSNP rs746082270, ClinGen allele CA7769404.

ClinVar aggregate classification (germline): Conflicting classifications of pathogenicity. Review status: criteria provided, conflicting classifications (1 of 4 stars). 4 submissions from 4 submitters: Uncertain significance (3); Likely benign (1). Last evaluated 2026-02-25.

Conditions:
Epilepsy, familial focal, with variable foci 3 (FFEVF3). Identifiers: MedGen C4310708, MONDO:0014925, OMIM 617118.
Inborn genetic diseases. Identifiers: MedGen C0950123, MeSH D030342.

Allele frequency attached by ClinVar (database versions not stated): gnomAD 0.00001; ExAC 0.00006; gnomAD exomes 0.00002 and 0.00006; TOPMed 0.00002.

Submissions (4):

Ambry Genetics
Classification: Uncertain significance for Inborn genetic diseases. Last evaluated: 2026-02-25. Review status: criteria provided, single submitter. Criteria: Ambry Variant Classification Scheme 2023. Collection method: clinical testing. Allele origin: germline.
Comment: The c.1247C>T (p.P416L) alteration is located in exon 12 (coding exon 11) of the NPRL3 gene. This alteration results from a C to T substitution at nucleotide position 1247, causing the proline (P) at amino acid position 416 to be replaced by a leucine (L). Based on data from gnomAD, the T allele has an overall frequency of 0.002% (4/208768) total alleles studied. The highest observed frequency was 0.004% (4/93970) of European (non-Finnish) alleles. Based on insufficient or conflicting evidence, the clinical significance of this alteration remains unclear.

GeneDx
Classification: Uncertain significance. Last evaluated: 2025-01-06. Review status: criteria provided, single submitter. Criteria: GeneDx Variant Classification Process June 2021. Collection method: clinical testing. Allele origin: germline. Affected: yes.
Comment: In silico analysis supports that this missense variant has a deleterious effect on protein structure/function; Has not been previously published as pathogenic or benign to our knowledge

Labcorp Genetics (formerly Invitae), Labcorp
Classification: Uncertain significance for Epilepsy, familial focal, with variable foci 3. Last evaluated: 2024-10-25. Review status: criteria provided, single submitter. Criteria: Invitae Variant Classification Sherloc (09022015). Collection method: clinical testing. Allele origin: germline.
Comment: This sequence change replaces proline, which is neutral and non-polar, with leucine, which is neutral and non-polar, at codon 416 of the NPRL3 protein (p.Pro416Leu). This variant is present in population databases (rs746082270, gnomAD 0.004%). This variant has not been reported in the literature in individuals affected with NPRL3-related conditions. ClinVar contains an entry for this variant (Variation ID: 446068). Invitae Evidence Modeling of protein sequence and biophysical properties (such as structural, functional, and spatial information, amino acid conservation, physicochemical variation, residue mobility, and thermodynamic stability) indicates that this missense variant is not expected to disrupt NPRL3 protein function with a negative predictive value of 80%. In summary, the available evidence is currently insufficient to determine the role of this variant in disease. Therefore, it has been classified as a Variant of Uncertain Significance.

Center for Pediatric Genomic Medicine, Children's Mercy Hospital and Clinics
Classification: Likely benign. Last evaluated: 2017-03-20. Review status: criteria provided, single submitter. Criteria: ACMG Guidelines, 2015. Collection method: clinical testing. Allele origin: germline.